The following is an entry in ClinVar:

NC_000007.13:g.(?_6026370)_(6057696_?)del

Genes: AIMP2 (aminoacyl tRNA synthetase complex interacting multifunctional protein 2; plus strand), PMS2 (PMS1 homolog 2, mismatch repair system component; minus strand). Cytogenetic location: 7p22.1.
Variant type: Deletion.
Identifiers: ClinVar variation 3245665 (VCV003245665.1).

ClinVar aggregate classification (germline): Pathogenic (1 of 4 stars; one submission).

Conditions:
Hereditary nonpolyposis colorectal neoplasms. Identifiers: MedGen C0009405, MeSH D003123.

Submission:

Labcorp Genetics (formerly Invitae), Labcorp
Classification: Pathogenic for Hereditary nonpolyposis colorectal neoplasms. Last evaluated: 2022-12-20. Review status: criteria provided, single submitter. Criteria: Invitae Variant Classification Sherloc (09022015). Collection method: clinical testing. Allele origin: unknown.
Comment: For these reasons, this variant has been classified as Pathogenic. Similar deletions of exons 1-11 have been observed in individuals affected with breast cancer (PMID: 25186627, 30426508). This variant is a gross deletion of the genomic region encompassing exons 1-11 of the PMS2 gene, which includes the initiator codon. The 5' end of this event is unknown as it extends beyond the assayed region for this gene and therefore may encompass additional genes. The 3' boundary is likely confined to intron 11 of the PMS2 gene. This is expected to result in an absent or disrupted protein product. Loss-of-function variants in PMS2 are known to be pathogenic (PMID: 21376568, 24362816).

Literature cited by the submitters: PubMed 25186627; PubMed 30426508; PubMed 21376568; PubMed 24362816.